The following is an entry in ClinVar:

NM_015599.3(PGM3):c.544G>A (p.Gly182Ser)

Gene: PGM3 (phosphoglucomutase 3; minus strand). Cytogenetic location: 6q14.1.
Variant type: single nucleotide variant.
Coding change: c.544G>A on transcript NM_015599.3 (MANE Select); coding-DNA position 544, G replaced by A.
Protein change: p.Gly182Ser; replaces glycine 182 with serine.
Molecular consequence: missense variant. On other transcripts: non-coding transcript variant (1).
Genome position (GRCh38, 1-based): chr6:83,182,892, C>T on the plus strand (G>A on the coding strand, the complement: PGM3 is on the minus strand). VCF-style: chr6-83182892-C-T. GRCh37 (hg19) VCF-style: chr6-83892611-C-T.
Other names: c.628G>A, p.Gly210Ser (NM_001199917.2, NM_001367287.1); c.301G>A, p.Gly101Ser (NM_001199918.2); c.544G>A, p.Gly182Ser (NM_001199919.2, NM_001367286.1); short protein forms G101S, G182S, G210S.
Identifiers: ClinVar variation 1715959 (VCV001715959.5), dbSNP rs2538151499, ClinGen allele CA364882624.

ClinVar aggregate classification (germline): Uncertain significance (1 of 4 stars; one submission).

Conditions:
Immunodeficiency 23 (IMD23). Also called: IMMUNODEFICIENCY WITH HYPER IgE AND COGNITIVE IMPAIRMENT; IMMUNODEFICIENCY-VASCULITIS-MYOCLONUS SYNDROME. Identifiers: Orphanet 443811, MedGen C4014371, MONDO:0014353, OMIM 615816.

Submission:

Labcorp Genetics (formerly Invitae), Labcorp
Classification: Uncertain significance for Immunodeficiency 23. Last evaluated: 2022-07-16. Review status: criteria provided, single submitter. Criteria: Invitae Variant Classification Sherloc (09022015). Collection method: clinical testing. Allele origin: germline.
Comment: This sequence change replaces glycine, which is neutral and non-polar, with serine, which is neutral and polar, at codon 210 of the PGM3 protein (p.Gly210Ser). This variant is not present in population databases (gnomAD no frequency). This variant has not been reported in the literature in individuals affected with PGM3-related conditions. Algorithms developed to predict the effect of missense changes on protein structure and function are either unavailable or do not agree on the potential impact of this missense change (SIFT: "Deleterious"; PolyPhen-2: "Probably Damaging"; Align-GVGD: "Class C0"). In summary, the available evidence is currently insufficient to determine the role of this variant in disease. Therefore, it has been classified as a Variant of Uncertain Significance.